The following is an entry in ClinVar:

ClinVar aggregate classification (germline): Uncertain significance (1 of 4 stars; one submission).

Allele frequency attached by ClinVar (database versions not stated): ESP Exome Variant Server 0.00008; 1000 Genomes Project 0.00020; ExAC 0.00007; 1000 Genomes Project 30x 0.00031; gnomAD 0.00010; TOPMed 0.00011; gnomAD exomes 0.00014.
gnomAD v4.1: 222 of 1,610,738 alleles (0.014%); highest among the groups gnomAD compares: Non-Finnish European, 0.017%; no homozygotes.

Submission:

Labcorp Genetics (formerly Invitae), Labcorp
Classification: Uncertain significance. Last evaluated: 2025-09-25. Review status: criteria provided, single submitter. Criteria: Invitae Variant Classification Sherloc (09022015). Collection method: clinical testing. Allele origin: germline.
Comment: This sequence change replaces proline, which is neutral and non-polar, with serine, which is neutral and polar, at codon 356 of the MNX1 protein (p.Pro356Ser). This variant is present in population databases (rs147542338, gnomAD 0.01%). This variant has not been reported in the literature in individuals affected with MNX1-related conditions. ClinVar contains an entry for this variant (Variation ID: 2035787). An algorithm developed to predict the effect of missense changes on protein structure and function (PolyPhen-2) suggests that this variant is likely to be disruptive. In summary, the available evidence is currently insufficient to determine the role of this variant in disease. Therefore, it has been classified as a Variant of Uncertain Significance.

NM_005515.4(MNX1):c.1066C>T (p.Pro356Ser)

Gene: MNX1 (motor neuron and pancreas homeobox 1; minus strand). Cytogenetic location: 7q36.3.
Variant type: single nucleotide variant.
Coding change: c.1066C>T on transcript NM_005515.4 (MANE Select); coding-DNA position 1066, C replaced by T.
Protein change: p.Pro356Ser; replaces proline 356 with serine.
Molecular consequence: missense variant.
Genome position (GRCh38, 1-based): chr7:157,005,660, G>A on the plus strand (C>T on the coding strand, the complement: MNX1 is on the minus strand). VCF-style: chr7-157005660-G-A. GRCh37 (hg19) VCF-style: chr7-156798354-G-A.
Other names: c.430C>T, p.Pro144Ser (NM_001165255.2); short protein forms P356S, P144S.
Identifiers: ClinVar variation 2035787 (VCV002035787.4), dbSNP rs147542338, ClinGen allele CA4589126.
Genomic context (GRCh38, chr7:157,005,660, plus strand): 5'-CGCTGGCGCCGTTGCTGTAGGGGAAATGGTCCTCGTCGTCCTCGTCCTCGTCCTCCTCGG[G>A]GTCACTGTCCCTCAAGTCCCGCAGGCGGCGTCCGCTGCCCTTGTCTCCGGGCGCTGGCGG-3'
Protein context (NP_005506.3, residues 346-366): RRLRDLRDSD[Pro356Ser]EEDEDEDDED